The following is an entry in ClinVar:

ClinVar aggregate classification (germline): Conflicting classifications of pathogenicity. Review status: criteria provided, conflicting classifications (1 of 4 stars). 10 submissions from 10 submitters: Uncertain significance (7); Likely benign (2). 1 of the submissions does not count toward it. Last evaluated 2026-01-19.

Conditions:
Hereditary cancer-predisposing syndrome. Also called: Neoplastic Syndromes, Hereditary; Hereditary neoplastic syndrome; Tumor predisposition; Hereditary Cancer Syndrome. Identifiers: Orphanet 140162, MedGen C0027672, MeSH D009386, MONDO:0015356.
Familial cancer of breast. Also called: hereditary breast carcinoma; Hereditary breast cancer; BREAST CANCER, FAMILIAL. Identifiers: Orphanet 227535, MedGen C0346153, MONDO:0016419, OMIM 114480. Disease mechanism: loss of function.
Ataxia-telangiectasia syndrome (AT). Also called: Ataxia telangiectasia (A-T); Cerebello-oculocutaneous telangiectasia; Immunodeficiency with ataxia telangiectasia; LOUIS-BAR SYNDROME; AT, COMPLEMENTATION GROUP C; ATAXIA-TELANGIECTASIA, FRESNO VARIANT. Identifiers: Orphanet 100, MedGen C0004135, MONDO:0008840, OMIM 208900.

Allele frequency attached by ClinVar (database versions not stated): 1000 Genomes Project 30x 0.00016; gnomAD below 0.00001 and 0.00002; gnomAD exomes 0.00002 and 0.00005; ExAC 0.00004; 1000 Genomes Project 0.00020.
gnomAD v4.1: 33 of 1,606,216 alleles (0.0021%); highest among the groups gnomAD compares: South Asian, 0.028%; no homozygotes.

Submissions (10):

Labcorp Genetics (formerly Invitae), Labcorp
Classification: Uncertain significance for Ataxia-telangiectasia syndrome. Last evaluated: 2026-01-19. Review status: criteria provided, single submitter. Criteria: Invitae Variant Classification Sherloc (09022015). Collection method: clinical testing. Allele origin: germline.
Comment: This sequence change replaces threonine, which is neutral and polar, with serine, which is neutral and polar, at codon 2113 of the ATM protein (p.Thr2113Ser). This variant is present in population databases (rs573290117, gnomAD 0.03%). This variant has not been reported in the literature in individuals affected with ATM-related conditions. ClinVar contains an entry for this variant (Variation ID: 233776). Invitae Evidence Modeling of protein sequence and biophysical properties (such as structural, functional, and spatial information, amino acid conservation, physicochemical variation, residue mobility, and thermodynamic stability) indicates that this missense variant is not expected to disrupt ATM protein function with a negative predictive value of 95%. In summary, the available evidence is currently insufficient to determine the role of this variant in disease. Therefore, it has been classified as a Variant of Uncertain Significance.

Quest Diagnostics Nichols Institute San Juan Capistrano
Classification: Uncertain significance. Last evaluated: 2025-10-31. Review status: criteria provided, single submitter. Criteria: Quest Diagnostics criteria. Collection method: clinical testing. Allele origin: unknown.
Comment: The ATM c.6338C>G (p.Thr2113Ser) variant has been reported in the published literature in an individual with breast cancer who also carried a second ATM variant (PMID: 36200007 (2022)). The frequency of this variant in the general population (Genome Aggregation Database) is uninformative in the assessment of its pathogenicity. Analysis of this variant using bioinformatics tools for the prediction of the effect of amino acid changes on protein structure and function yielded predictions that this variant is benign. Based on the available information, we are unable to determine the clinical significance of this variant.

Athena Diagnostics
Classification: Uncertain significance. Last evaluated: 2025-10-30. Review status: criteria provided, single submitter. Criteria: Athena Diagnostics Criteria. Collection method: clinical testing. Allele origin: unknown.

Color Diagnostics, LLC DBA Color Health
Classification: Likely benign for Hereditary cancer-predisposing syndrome. Last evaluated: 2024-09-19. Review status: criteria provided, single submitter. Criteria: ACMG Guidelines, 2015. Collection method: clinical testing. Allele origin: germline.

Ambry Genetics
Classification: Likely benign for Hereditary cancer-predisposing syndrome. Last evaluated: 2024-03-21. Review status: criteria provided, single submitter. Criteria: Ambry Variant Classification Scheme 2023. Collection method: clinical testing. Allele origin: germline.

GeneDx
Classification: Uncertain significance. Last evaluated: 2023-11-25. Review status: criteria provided, single submitter. Criteria: GeneDx Variant Classification Process June 2021. Collection method: clinical testing. Allele origin: germline. Affected: yes.
Comment: In silico analysis supports that this missense variant does not alter protein structure/function; Identified in an individual with breast cancer who also harbored another variant in this gene (PMID: 36200007); This variant is associated with the following publications: (PMID: 23532176, 36200007)

KCCC/NGS Laboratory, Kuwait Cancer Control Center
Classification: Uncertain significance for Familial cancer of breast. Last evaluated: 2023-05-17. Review status: criteria provided, single submitter. Criteria: ACMG Guidelines, 2015. Collection method: clinical testing. Allele origin: unknown. Inheritance: Autosomal dominant inheritance. Affected: yes.
Comment: a variant of uncertain significance in the ATM gene (p.Thr2113Ser). This sequence change replaces threonine, which is neutral and polar, with serine, which is neutral and polar, at codon 2113 of the ATM protein (p.Thr2113Ser). This amino acid position is poorly conserved. (PhyloP=-0.14). This variant is present in population databases (rs573290117, gnomAD 0.03%). This variant has not been reported in the literature in individuals affected with ATM-related conditions. ClinVar contains an entry for this variant (Variation ID: 233776). In addition, this alteration is predicted to be tolerated by in silico analysis.. In summary, the available evidence is currently insufficient to determine the role of this variant in disease. Therefore, it has been classified as a Variant of Uncertain Significance.

Department of Pathology and Laboratory Medicine, Sinai Health System
Classification: Uncertain significance for Familial cancer of breast. Last evaluated: 2021-03-15. Review status: criteria provided, single submitter. Criteria: ACMG Guidelines, 2015. Collection method: clinical testing. Allele origin: germline. Affected: yes.

Women's Health and Genetics/Laboratory Corporation of America, LabCorp
Classification: Uncertain significance. Last evaluated: 2020-02-24. Review status: criteria provided, single submitter. Criteria: LabCorp Variant Classification Summary - May 2015. Collection method: clinical testing. Allele origin: germline.
Comment: Variant summary: ATM c.6338C>G (p.Thr2113Ser) results in a conservative amino acid change located in the PIK-related kinase, FAT domain (IPR003151) of the encoded protein sequence. Five of five in-silico tools predict a benign effect of the variant on protein function. The variant allele was found at a frequency of 4.8e-05 in 249878 control chromosomes (gnomAD). This frequency is not higher than expected for a pathogenic variant in ATM causing Breast Cancer (4.8e-05 vs 0.001), allowing no conclusion about variant significance. To our knowledge, no occurrence of c.6338C>G in individuals affected with Breast Cancer and no experimental evidence demonstrating its impact on protein function have been reported. Three ClinVar submitters (evaluation after 2014) cite the variant as uncertain significance (2x) and likely benign (1x). Based on the evidence outlined above, the variant was classified as uncertain significance.

Natera, Inc.
Classification: Uncertain significance for Ataxia-telangiectasia. Last evaluated: 2020-09-16. Review status: no assertion criteria provided. Collection method: clinical testing. Allele origin: germline. Not counted in ClinVar's aggregate classification.

Literature cited by the submitters: PubMed 36200007 (cited by Quest Diagnostics Nichols Institute San Juan Capistrano and Athena Diagnostics).

NM_000051.4(ATM):c.6338C>G (p.Thr2113Ser)

Genes: ATM (ATM serine/threonine kinase; plus strand), C11orf65 (chromosome 11 open reading frame 65; minus strand). Cytogenetic location: 11q22.3.
Variant type: single nucleotide variant.
Coding change: c.6338C>G on transcript NM_000051.4 (MANE Select); coding-DNA position 6338, C replaced by G.
Protein change: p.Thr2113Ser; replaces threonine 2113 with serine.
Molecular consequence: missense variant. On other transcripts: intron variant (2).
Genome position (GRCh38, 1-based): chr11:108,317,512, C>G. VCF-style: chr11-108317512-C-G. GRCh37 (hg19) VCF-style: chr11-108188239-C-G.
Other names: c.6338C>G, p.Thr2113Ser (NM_001351834.2); c.641-8441G>C (NM_001330368.2); c.*39-8441G>C (NM_001351110.2); short protein forms T2113S.
Identifiers: ClinVar variation 233776 (VCV000233776.23), dbSNP rs573290117, ClinGen allele CA6265906.
Genomic context (GRCh38, chr11:108,317,512, plus strand): 5'-CTGAACTAGAAGAACTTCATTACCAAGCAGCATGGAGGAATATGCAGTGGGACCATTGCA[C>G]TTCCGTCAGGTAAGAAATTTGACTTGATTTTTTTTTTTTTGCCTCTCTCCTCATTCTAAA-3'
Protein context (NP_000042.3, residues 2103-2123): AWRNMQWDHC[Thr2113Ser]SVSKEVEGTS